The following is an entry in ClinVar:

NM_000377.3(WAS):c.512G>A (p.Arg171Lys)

Gene: WAS (WASP actin nucleation promoting factor; plus strand). Cytogenetic location: Xp11.23.
Variant type: single nucleotide variant.
Coding change: c.512G>A on transcript NM_000377.3 (MANE Select); coding-DNA position 512, G replaced by A.
Protein change: p.Arg171Lys; replaces arginine 171 with lysine.
Molecular consequence: missense variant.
Genome position (GRCh38, 1-based): chrX:48,686,087, G>A. VCF-style: chrX-48686087-G-A. GRCh37 (hg19) VCF-style: chrX-48544476-G-A.
Other names: short protein forms R171K.
Identifiers: ClinVar variation 2937858 (VCV002937858.3), dbSNP rs1436551443, ClinGen allele CA412869116.
Genomic context (GRCh38, chrX:48,686,087, plus strand): 5'-CCCAGGAACCTGTGGCAGGGCTGTGATAACTCTCTACACATTCCATCTTCCCAGAGAGAA[G>A]AGGAGGGCTCCCACCCCTGCCCCTGCATCCAGGTGGAGACCAAGGAGGTGCGTGCTGATT-3'
Protein context (NP_000368.1, residues 161-181): PPPTPANEER[Arg171Lys]GGLPPLPLHP

ClinVar aggregate classification (germline): Uncertain significance (1 of 4 stars; one submission).

Conditions:
X-linked severe congenital neutropenia (SCNX). Identifiers: Orphanet 86788, MedGen C1845987, MONDO:0010294, OMIM 300299.
Thrombocytopenia 1. Also called: THROMBOCYTOPENIA, X-LINKED, 1; X-Linked Thrombocytopenia (XLT); X-linked thrombocytopenia with normal platelets. Identifiers: Orphanet 268322, Orphanet 852, MedGen C1839163, MONDO:0010743, OMIM 313900.
Wiskott-Aldrich syndrome (WAS). Also called: ALDRICH SYNDROME; IMMUNODEFICIENCY 2; WISKOTT-ALDRICH SYNDROME 1; Wiskott-aldrich syndrome, somatic. Identifiers: Orphanet 906, MedGen C0043194, MONDO:0010518, OMIM 301000.

Allele frequency attached by ClinVar (database versions not stated): gnomAD exomes 0.00001.
gnomAD v4.1: 16 of 1,212,215 alleles (0.0013%); highest among the groups gnomAD compares: South Asian, 0.0018%; no homozygotes.

Submission:

Labcorp Genetics (formerly Invitae), Labcorp
Classification: Uncertain significance for Wiskott-Aldrich syndrome; X-linked severe congenital neutropenia; Thrombocytopenia 1. Last evaluated: 2025-07-30. Review status: criteria provided, single submitter. Criteria: Invitae Variant Classification Sherloc (09022015). Collection method: clinical testing. Allele origin: germline.
Comment: This sequence change replaces arginine, which is basic and polar, with lysine, which is basic and polar, at codon 171 of the WAS protein (p.Arg171Lys). This variant is present in population databases (no rsID available, gnomAD 0.005%), including at least one homozygous and/or hemizygous individual. This variant has not been reported in the literature in individuals affected with WAS-related conditions. ClinVar contains an entry for this variant (Variation ID: 2937858). Invitae Evidence Modeling of protein sequence and biophysical properties (such as structural, functional, and spatial information, amino acid conservation, physicochemical variation, residue mobility, and thermodynamic stability) indicates that this missense variant is not expected to disrupt WAS protein function with a negative predictive value of 80%. In summary, the available evidence is currently insufficient to determine the role of this variant in disease. Therefore, it has been classified as a Variant of Uncertain Significance.